The following is an entry in ClinVar:

ClinVar aggregate classification (germline): Conflicting classifications of pathogenicity. Review status: criteria provided, conflicting classifications (1 of 4 stars). 2 submissions from 2 submitters: Uncertain significance (1); Likely benign (1). Last evaluated 2025-10-14.

Conditions:
Arrhythmogenic right ventricular dysplasia 8 (ARVD8). Also called: Arrhythmogenic Right Ventricular Dysplasia/Cardiomyopathy 8; ARRHYTHMOGENIC RIGHT VENTRICULAR DYSPLASIA, FAMILIAL, 8; ARRHYTHMOGENIC RIGHT VENTRICULAR CARDIOMYOPATHY 8. Identifiers: MedGen C1843896, MONDO:0011831, OMIM 607450.
Arrhythmogenic cardiomyopathy with wooly hair and keratoderma. Also called: PALMOPLANTAR KERATODERMA WITH LEFT VENTRICULAR CARDIOMYOPATHY AND WOOLLY HAIR; Carvajal syndrome; Arrhythmogenic cardiomyopathy with woolly hair and keratoderma; Dilated cardiomyopathy with woolly hair and keratoderma. Identifiers: Orphanet 65282, MedGen C1854063, MONDO:0011581, OMIM 605676.
Cardiomyopathy (CMYO). Also called: Cardiomyopathies. Identifiers: Orphanet 167848, MedGen C0878544, MONDO:0004994, HP:0001638. Inheritance: Various modes of inheritance.

Submissions (2):

Color Diagnostics, LLC DBA Color Health
Classification: Likely benign for Cardiomyopathy. Last evaluated: 2025-10-14. Review status: criteria provided, single submitter. Criteria: ACMG Guidelines, 2015. Collection method: clinical testing. Allele origin: germline.

Labcorp Genetics (formerly Invitae), Labcorp
Classification: Uncertain significance for Arrhythmogenic cardiomyopathy with wooly hair and keratoderma; Arrhythmogenic right ventricular dysplasia 8. Last evaluated: 2023-01-27. Review status: criteria provided, single submitter. Criteria: Invitae Variant Classification Sherloc (09022015). Collection method: clinical testing. Allele origin: germline.
Comment: This variant has not been reported in the literature in individuals affected with DSP-related conditions. In summary, the available evidence is currently insufficient to determine the role of this variant in disease. Therefore, it has been classified as a Variant of Uncertain Significance. Algorithms developed to predict the effect of missense changes on protein structure and function are either unavailable or do not agree on the potential impact of this missense change (SIFT: "Deleterious"; PolyPhen-2: "Benign"; Align-GVGD: "Class C35"). This variant is not present in population databases (gnomAD no frequency). This sequence change replaces tyrosine, which is neutral and polar, with serine, which is neutral and polar, at codon 1542 of the DSP protein (p.Tyr1542Ser).

NM_004415.4(DSP):c.4625A>C (p.Tyr1542Ser)

Gene: DSP (desmoplakin; plus strand). Cytogenetic location: 6p24.3.
Variant type: single nucleotide variant.
Coding change: c.4625A>C on transcript NM_004415.4 (MANE Select); coding-DNA position 4625, A replaced by C.
Protein change: p.Tyr1542Ser; replaces tyrosine 1542 with serine.
Molecular consequence: missense variant. On other transcripts: intron variant (2).
Genome position (GRCh38, 1-based): chr6:7,580,815, A>C. VCF-style: chr6-7580815-A-C. GRCh37 (hg19) VCF-style: chr6-7581048-A-C.
Other names: c.4050+575A>C (NM_001319034.2); c.3582+1043A>C (NM_001008844.3); short protein forms Y1542S.
Identifiers: ClinVar variation 2925889 (VCV002925889.4), dbSNP rs1279142467, ClinGen allele CA362686804.